The following is an entry in ClinVar:

NM_021005.4(NR2F2):c.538G>A (p.Gly180Arg)

Gene: NR2F2 (nuclear receptor subfamily 2 group F member 2; plus strand). Cytogenetic location: 15q26.2.
Variant type: single nucleotide variant.
Coding change: c.538G>A on transcript NM_021005.4 (MANE Select); coding-DNA position 538, G replaced by A.
Protein change: p.Gly180Arg; replaces glycine 180 with arginine.
Molecular consequence: missense variant.
Genome position (GRCh38, 1-based): chr15:96,334,171, G>A. VCF-style: chr15-96334171-G-A. GRCh37 (hg19) VCF-style: chr15-96877400-G-A.
Other names: c.139G>A, p.Gly47Arg (NM_001145155.2); c.79G>A, p.Gly27Arg (NM_001145156.1, NM_001145157.2); c.538G>A (NM_021005.3); short protein forms G27R, G180R, G47R.
Identifiers: ClinVar variation 1520649 (VCV001520649.7), dbSNP rs2141169030, ClinGen allele CA393930615.
Genomic context (GRCh38, chr15:96,334,171, plus strand): 5'-ACCCACGGGCAGTTCGCGCTGACCAACGGGGATCCCCTCAACTGCCACTCGTACCTGTCC[G>A]GATATATTTCCCTGCTGTTGCGCGCGGAGCCCTATCCCACGTCGCGCTTCGGCAGCCAAT-3'
Protein context (NP_066285.1, residues 170-190): DPLNCHSYLS[Gly180Arg]YISLLLRAEP

ClinVar aggregate classification (germline): Uncertain significance. Review status: criteria provided, multiple submitters, no conflicts (2 of 4 stars). 2 submissions from 2 submitters: Uncertain significance (2). Last evaluated 2025-05-28.

Conditions:
Inborn genetic diseases. Identifiers: MedGen C0950123, MeSH D030342.
Congenital heart defects, multiple types, 4 (CHTD4). Identifiers: MedGen C4014310, MONDO:0014344, OMIM 615779.

Allele frequency attached by ClinVar (database versions not stated): gnomAD exomes below 0.00001.
gnomAD v4.1: 1 of 1,614,156 alleles (0.000062%); highest among the groups gnomAD compares: Non-Finnish European, 0.000085%; no homozygotes.

Submissions (2):

Ambry Genetics
Classification: Uncertain significance for Inborn genetic diseases. Last evaluated: 2025-05-28. Review status: criteria provided, single submitter. Criteria: Ambry Variant Classification Scheme 2023. Collection method: clinical testing. Allele origin: germline.

Labcorp Genetics (formerly Invitae), Labcorp
Classification: Uncertain significance for Congenital heart defects, multiple types, 4. Last evaluated: 2021-12-02. Review status: criteria provided, single submitter. Criteria: Invitae Variant Classification Sherloc (09022015). Collection method: clinical testing. Allele origin: germline.
Comment: This sequence change replaces glycine, which is neutral and non-polar, with arginine, which is basic and polar, at codon 180 of the NR2F2 protein (p.Gly180Arg). This variant is not present in population databases (gnomAD no frequency). This variant has not been reported in the literature in individuals affected with NR2F2-related conditions. Advanced modeling of protein sequence and biophysical properties (such as structural, functional, and spatial information, amino acid conservation, physicochemical variation, residue mobility, and thermodynamic stability) performed at Invitae indicates that this missense variant is expected to disrupt NR2F2 protein function. Algorithms developed to predict the effect of sequence changes on RNA splicing suggest that this variant may create or strengthen a splice site. In summary, the available evidence is currently insufficient to determine the role of this variant in disease. Therefore, it has been classified as a Variant of Uncertain Significance.